The following is an entry in ClinVar:

ClinVar aggregate classification (germline): Pathogenic (1 of 4 stars; one submission).

Conditions:
Ehlers-Danlos syndrome, dermatosparaxis type. Also called: EDS VIIC; Dermatosparaxis; Ehlers-Danlos syndrome, type VII, autosomal recessive. Identifiers: Orphanet 1901, MedGen C2700425, MONDO:0009161, OMIM 225410.

Submission:

Myriad Genetics, Inc.
Classification: Pathogenic for Ehlers-Danlos syndrome, dermatosparaxis type. Last evaluated: 2023-10-06. Review status: criteria provided, single submitter. Criteria: Myriad Autosomal Dominant, Autosomal Recessive and X-Linked Classification Criteria (2023). Collection method: clinical testing. Allele origin: unknown.
Comment: NM_014244.4(ADAMTS2):c.114del1ins6(R38Sfs*129) is expected to be pathogenic in the context of Ehlers-Danlos syndrome, ADAMTS2-related. This variant is predicted to lead to an abnormal or absent protein product due to the creation of a premature termination codon in ADAMTS2, a gene where loss-of-function variants are known to be pathogenic. Please note: this variant was assessed in the context of healthy population screening.

NM_014244.5(ADAMTS2):c.114delinsCAGCAC (p.Arg38fs)

Gene: ADAMTS2 (ADAM metallopeptidase with thrombospondin type 1 motif 2; minus strand). Cytogenetic location: 5q35.3.
Variant type: Indel.
Coding change: c.114delinsCAGCAC on transcript NM_014244.5 (MANE Select); coding-DNA position 114, G replaced by CAGCAC.
Protein change: p.Arg38fs; shifts the reading frame from arginine 38.
Molecular consequence: frameshift variant.
Genome position (GRCh38, 1-based): chr5:179,345,215, C replaced by GTGCTG on the plus strand (G replaced by CAGCAC on the coding strand, the reverse complement: ADAMTS2 is on the minus strand). VCF-style: chr5-179345215-C-GTGCTG. GRCh37 (hg19) VCF-style: chr5-178772216-C-GTGCTG.
Other names: c.114delinsCAGCAC, p.Arg38fs (NM_021599.4); short protein forms R38fs.
Identifiers: ClinVar variation 5012367 (VCV005012367.1).